The following is an entry in ClinVar:

ClinVar aggregate classification (germline): Likely benign (1 of 4 stars; one submission).

Allele frequency attached by ClinVar (database versions not stated): TOPMed below 0.00001; gnomAD 0.00001.
gnomAD v4.1: 1 of 1,613,568 alleles (0.000062%); highest among the groups gnomAD compares: Non-Finnish European, 0.000085%; no homozygotes.

Submission:

CeGaT Center for Human Genetics Tuebingen
Classification: Likely benign. Last evaluated: 2022-05-01. Review status: criteria provided, single submitter. Criteria: CeGaT Center For Human Genetics Tuebingen Variant Classification Criteria Version 2. Collection method: clinical testing. Allele origin: germline. Affected: yes. Observed: 1 variant allele.
Comment: RASA2: BP4, BP7

NM_006506.5(RASA2):c.1077T>C (p.Asp359=)

Gene: RASA2 (RAS p21 protein activator 2; plus strand). Cytogenetic location: 3q23.
Variant type: single nucleotide variant.
Coding change: c.1077T>C on transcript NM_006506.5 (MANE Select); coding-DNA position 1077, T replaced by C.
Protein change: p.Asp359=; no amino-acid change (aspartic acid 359 retained).
Molecular consequence: synonymous variant.
Genome position (GRCh38, 1-based): chr3:141,571,462, T>C. VCF-style: chr3-141571462-T-C. GRCh37 (hg19) VCF-style: chr3-141290304-T-C.
Other names: c.1077T>C, p.Asp359= (NM_001303245.3, NM_001303246.3).
Identifiers: ClinVar variation 2654200 (VCV002654200.24), dbSNP rs1164283000, ClinGen allele CA435897999.